The following is an entry in ClinVar:

ClinVar aggregate classification (germline): Uncertain significance. Review status: criteria provided, multiple submitters, no conflicts (2 of 4 stars). 2 submissions from 2 submitters: Uncertain significance (2). Last evaluated 2022-12-21.

Allele frequency attached by ClinVar (database versions not stated): ExAC 0.00001; gnomAD exomes 0.00004; TOPMed 0.00004; gnomAD 0.00005.

Submissions (2):

Ambry Genetics
Classification: Uncertain significance. Last evaluated: 2022-12-21. Review status: criteria provided, single submitter. Criteria: Ambry Variant Classification Scheme 2023. Collection method: clinical testing. Allele origin: germline.

Labcorp Genetics (formerly Invitae), Labcorp
Classification: Uncertain significance. Last evaluated: 2022-06-14. Review status: criteria provided, single submitter. Criteria: Invitae Variant Classification Sherloc (09022015). Collection method: clinical testing. Allele origin: germline.
Comment: This sequence change replaces serine, which is neutral and polar, with alanine, which is neutral and non-polar, at codon 219 of the REPS1 protein (p.Ser219Ala). This variant is present in population databases (rs771231314, gnomAD 0.004%). This variant has not been reported in the literature in individuals affected with REPS1-related conditions. Algorithms developed to predict the effect of missense changes on protein structure and function (SIFT, PolyPhen-2, Align-GVGD) all suggest that this variant is likely to be tolerated. In summary, the available evidence is currently insufficient to determine the role of this variant in disease. Therefore, it has been classified as a Variant of Uncertain Significance.

NM_001286611.2(REPS1):c.655T>G (p.Ser219Ala)

Gene: REPS1 (RALBP1 associated Eps domain containing 1; minus strand). Cytogenetic location: 6q24.1.
Variant type: single nucleotide variant.
Coding change: c.655T>G on transcript NM_001286611.2 (MANE Select); coding-DNA position 655, T replaced by G.
Protein change: p.Ser219Ala; replaces serine 219 with alanine.
Molecular consequence: missense variant.
Genome position (GRCh38, 1-based): chr6:138,944,596, A>C on the plus strand (T>G on the coding strand, the complement: REPS1 is on the minus strand). VCF-style: chr6-138944596-A-C. GRCh37 (hg19) VCF-style: chr6-139265733-A-C.
Other names: c.655T>G, p.Ser219Ala (NM_001128617.3, NM_001286612.2, NM_031922.5); c.655T>G (NM_031922.3); short protein forms S219A.
Identifiers: ClinVar variation 2404339 (VCV002404339.8), dbSNP rs771231314, ClinGen allele CA4024390.
Genomic context (GRCh38, chr6:138,944,596, plus strand): 5'-TTGGTGGAGTATCTGCAAAACTGACCCAGTTTTCTTGAGGTGGAGGTGGGGAATGCCCTG[A>C]CCACACTGCATCACCAGCAGAAGAACCTATAAGGAGAATGGGTAAACATGCTGACTCATG-3'
Protein context (NP_001273540.1, residues 209-229): SGSSAGDAVW[Ser219Ala]GHSPPPPQEN